The following is an entry in ClinVar:

NM_000494.4(COL17A1):c.4156+1G>A

Gene: COL17A1 (collagen type XVII alpha 1 chain; minus strand). Cytogenetic location: 10q25.1.
Variant type: single nucleotide variant.
Coding change: c.4156+1G>A on transcript NM_000494.4 (MANE Select); the canonical splice donor site of the intron after coding-DNA position 4156, G replaced by A.
Molecular consequence: splice donor variant.
Genome position (GRCh38, 1-based): chr10:104,033,944, C>T on the plus strand (G>A on the coding strand, the complement: COL17A1 is on the minus strand). VCF-style: chr10-104033944-C-T. GRCh37 (hg19) VCF-style: chr10-105793702-C-T.
Identifiers: ClinVar variation 1047994 (VCV001047994.5), dbSNP rs373469159, ClinGen allele CA5677705.

ClinVar aggregate classification (germline): Pathogenic. Review status: criteria provided, multiple submitters, no conflicts (2 of 4 stars). 3 submissions from 3 submitters: Pathogenic (3). Last evaluated 2024-07-17.

Conditions:
Junctional epidermolysis bullosa. Identifiers: Orphanet 305, MedGen C0079301, MONDO:0017612.

Allele frequency attached by ClinVar (database versions not stated): TOPMed 0.00001.
gnomAD v4.1: 38 of 1,614,078 alleles (0.0024%); highest among the groups gnomAD compares: Admixed American, 0.0067%; no homozygotes.

Submissions (3):

Labcorp Genetics (formerly Invitae), Labcorp
Classification: Pathogenic. Last evaluated: 2024-07-17. Review status: criteria provided, single submitter. Criteria: Invitae Variant Classification Sherloc (09022015). Collection method: clinical testing. Allele origin: germline.
Comment: This sequence change affects a donor splice site in intron 52 of the COL17A1 gene. It is expected to disrupt RNA splicing. Variants that disrupt the donor or acceptor splice site typically lead to a loss of protein function (PMID: 16199547), and loss-of-function variants in COL17A1 are known to be pathogenic (PMID: 16473856, 17344927, 20301304, 21357940, 24319098). This variant is present in population databases (rs373469159, gnomAD 0.007%). Disruption of this splice site has been observed in individuals with clinical features of autosomal recessive COL17A1-related conditions (PMID: 11406649, 21357940, 30673110). ClinVar contains an entry for this variant (Variation ID: 1047994). Algorithms developed to predict the effect of sequence changes on RNA splicing suggest that this variant may disrupt the consensus splice site. For these reasons, this variant has been classified as Pathogenic.

GeneDx
Classification: Pathogenic. Last evaluated: 2023-05-01. Review status: criteria provided, single submitter. Criteria: GeneDx Variant Classification Process June 2021. Collection method: clinical testing. Allele origin: germline. Affected: yes.
Comment: Canonical splice site variant predicted to result in a null allele in a gene for which loss of function is a known mechanism of disease; This variant is associated with the following publications: (PMID: 25525159, 29952287, 21357940, 29242947, 11406649)

Biomedical Innovation Departament, CIEMAT
Classification: Pathogenic for Epidermolysis bullosa junctionalis. Last evaluated: 2005-05-25. Review status: criteria provided, single submitter. Criteria: ACMG Guidelines, 2015. Collection method: research. Allele origin: germline. Affected: yes. Observed: 1 variant allele.

Literature cited by the submitters: PubMed 16199547 (cited by Labcorp Genetics (formerly Invitae), Labcorp); PubMed 16473856 (cited by Labcorp Genetics (formerly Invitae), Labcorp); PubMed 17344927 (cited by Labcorp Genetics (formerly Invitae), Labcorp); PubMed 20301304 (cited by Labcorp Genetics (formerly Invitae), Labcorp); PubMed 21357940 (cited by Labcorp Genetics (formerly Invitae), Labcorp); PubMed 24319098 (cited by Labcorp Genetics (formerly Invitae), Labcorp); PubMed 11406649 (cited by Labcorp Genetics (formerly Invitae), Labcorp); PubMed 30673110 (cited by Labcorp Genetics (formerly Invitae), Labcorp).